The following is an entry in ClinVar:

NM_198488.5(FAM83H):c.2705G>A (p.Gly902Glu)

Gene: FAM83H (family with sequence similarity 83 member H; minus strand). Cytogenetic location: 8q24.3.
Variant type: single nucleotide variant.
Coding change: c.2705G>A on transcript NM_198488.5 (MANE Select); coding-DNA position 2705, G replaced by A.
Protein change: p.Gly902Glu; replaces glycine 902 with glutamic acid.
Molecular consequence: missense variant.
Genome position (GRCh38, 1-based): chr8:143,726,756, C>T on the plus strand (G>A on the coding strand, the complement: FAM83H is on the minus strand). VCF-style: chr8-143726756-C-T. GRCh37 (hg19) VCF-style: chr8-144808926-C-T.
Other names: short protein forms G902E.
Identifiers: ClinVar variation 1288358 (VCV001288358.4), dbSNP rs116851527, ClinGen allele CA4917151.

ClinVar aggregate classification (germline): Benign. Review status: criteria provided, multiple submitters, no conflicts (2 of 4 stars). 3 submissions from 3 submitters: Benign (2). 1 of the submissions does not count toward it. Last evaluated 2021-06-10.

Conditions:
FAM83H-related disorder. Also called: FAM83H-related condition.

Allele frequency attached by ClinVar (database versions not stated): 1000 Genomes Project 0.01138; 1000 Genomes Project 30x 0.01202; TOPMed 0.02161; ESP Exome Variant Server 0.02319; gnomAD 0.02507 and 0.02614; gnomAD exomes 0.02817; ExAC 0.02867.
gnomAD v4.1: 46,666 of 1,612,422 alleles (2.9%); highest among the groups gnomAD compares: Middle Eastern, 5.2%; 910 homozygotes.

Submissions (3):

GeneDx
Classification: Benign. Last evaluated: 2021-06-10. Review status: criteria provided, single submitter. Criteria: GeneDx Variant Classification Process June 2021. Collection method: clinical testing. Allele origin: germline. Affected: yes.

Breakthrough Genomics
Classification: Benign. Review status: criteria provided, single submitter. Criteria: ACMG Guidelines, 2015. Collection method: not provided. Allele origin: germline. Inheritance: Autosomal dominant inheritance. Affected: yes.

PreventionGenetics, part of Exact Sciences
Classification: Benign for FAM83H-related condition. Last evaluated: 2019-03-21. Review status: no assertion criteria provided. Collection method: clinical testing. Allele origin: germline. Not counted in ClinVar's aggregate classification.
Comment: This variant is classified as benign based on ACMG/AMP sequence variant interpretation guidelines (Richards et al. 2015 PMID: 25741868, with internal and published modifications).